The following is an entry in ClinVar:

ClinVar aggregate classification (germline): Uncertain significance (1 of 4 stars; one submission).

Conditions:
Charcot-Marie-Tooth disease axonal type 2L. Also called: Charcot-Marie-Tooth Neuropathy Type 2L; CHARCOT-MARIE-TOOTH DISEASE, AXONAL, AUTOSOMAL DOMINANT, TYPE 2L; CHARCOT-MARIE-TOOTH NEUROPATHY, AXONAL, TYPE 2L. Identifiers: Orphanet 99945, MedGen C1837552, MONDO:0012096, OMIM 608673.

Allele frequency attached by ClinVar (database versions not stated): gnomAD 0.00001; gnomAD exomes 0.00005 and 0.00008; ExAC 0.00006.
gnomAD v4.1: 71 of 1,614,028 alleles (0.0044%); highest among the groups gnomAD compares: South Asian, 0.074%; no homozygotes.

Submission:

Labcorp Genetics (formerly Invitae), Labcorp
Classification: Uncertain significance for Charcot-Marie-Tooth disease axonal type 2L. Last evaluated: 2024-05-01. Review status: criteria provided, single submitter. Criteria: Invitae Variant Classification Sherloc (09022015). Collection method: clinical testing. Allele origin: germline.
Comment: This sequence change replaces glutamic acid, which is acidic and polar, with lysine, which is basic and polar, at codon 131 of the HSPB8 protein (p.Glu131Lys). This variant is present in population databases (rs754993844, gnomAD 0.06%), and has an allele count higher than expected for a pathogenic variant. This variant has not been reported in the literature in individuals affected with HSPB8-related conditions. ClinVar contains an entry for this variant (Variation ID: 1385402). An algorithm developed to predict the effect of missense changes on protein structure and function (PolyPhen-2) suggests that this variant is likely to be disruptive. In summary, the available evidence is currently insufficient to determine the role of this variant in disease. Therefore, it has been classified as a Variant of Uncertain Significance.

NM_014365.3(HSPB8):c.391G>A (p.Glu131Lys)

Gene: HSPB8 (heat shock protein family B (small) member 8; plus strand). Cytogenetic location: 12q24.23.
Variant type: single nucleotide variant.
Coding change: c.391G>A on transcript NM_014365.3 (MANE Select); coding-DNA position 391, G replaced by A.
Protein change: p.Glu131Lys; replaces glutamic acid 131 with lysine.
Molecular consequence: missense variant.
Genome position (GRCh38, 1-based): chr12:119,187,048, G>A. VCF-style: chr12-119187048-G-A. GRCh37 (hg19) VCF-style: chr12-119624853-G-A.
Other names: short protein forms E131K.
Identifiers: ClinVar variation 1385402 (VCV001385402.8), dbSNP rs754993844, ClinGen allele CA6819574.